The following is an entry in ClinVar:

NM_007194.4(CHEK2):c.445-1G>A

Gene: CHEK2 (checkpoint kinase 2; minus strand). Cytogenetic location: 22q12.1.
Variant type: single nucleotide variant.
Coding change: c.445-1G>A on transcript NM_007194.4 (MANE Select); the canonical splice acceptor site of the intron before coding-DNA position 445, G replaced by A.
Molecular consequence: splice acceptor variant. On other transcripts: intron variant (1).
Genome position (GRCh38, 1-based): chr22:28,725,125, C>T on the plus strand (G>A on the coding strand, the complement: CHEK2 is on the minus strand). VCF-style: chr22-28725125-C-T. GRCh37 (hg19) VCF-style: chr22-29121113-C-T.
Other names: c.-219-1G>A (NM_001437942.1); c.444+118G>A (NM_001349956.3); c.445-1G>A (NM_145862.3); c.-333-1G>A (NM_001257387.3); c.538-1G>A (NM_001438295.1, NM_001438293.1); c.574-1G>A (NM_001438294.1, NM_001005735.3).
Identifiers: ClinVar variation 627954 (VCV000627954.18), dbSNP rs587782830, ClinGen allele CA411107787.

ClinVar aggregate classification (germline): Likely pathogenic. Review status: criteria provided, multiple submitters, no conflicts (2 of 4 stars). 5 submissions from 5 submitters: Likely pathogenic (5). Last evaluated 2025-04-25.

Conditions:
Familial cancer of breast. Also called: BREAST CANCER, FAMILIAL; Hereditary breast cancer; hereditary breast carcinoma. Identifiers: Orphanet 227535, MedGen C0346153, MONDO:0016419, OMIM 114480. Disease mechanism: loss of function.
Hereditary cancer-predisposing syndrome. Also called: Neoplastic Syndromes, Hereditary; Tumor predisposition; Hereditary neoplastic syndrome; Hereditary Cancer Syndrome. Identifiers: Orphanet 140162, MedGen C0027672, MeSH D009386, MONDO:0015356.

Submissions (5):

Ambry Genetics
Classification: Likely pathogenic for Hereditary cancer-predisposing syndrome. Last evaluated: 2025-04-25. Review status: criteria provided, single submitter. Criteria: Ambry Variant Classification Scheme 2023. Collection method: clinical testing. Allele origin: germline.
Comment: The c.445-1G>A intronic variant results from a G to A substitution one nucleotide upstream from coding exon 3 of the CHEK2 gene. This nucleotide position is highly conserved in available vertebrate species. In silico splice site analysis predicts that this alteration will weaken the native splice acceptor site, however direct evidence is insufficient at this time (Ambry internal data). This variant is considered to be rare based on population cohorts in the Genome Aggregation Database (gnomAD). Alterations that disrupt the canonical splice site are expected to cause aberrant splicing, resulting in an abnormal protein or a transcript that is subject to nonsense-mediated mRNA decay. As such, this alteration is classified as likely pathogenic.

Labcorp Genetics (formerly Invitae), Labcorp
Classification: Likely pathogenic for Familial cancer of breast. Last evaluated: 2025-03-27. Review status: criteria provided, single submitter. Criteria: Invitae Variant Classification Sherloc (09022015). Collection method: clinical testing. Allele origin: germline.
Comment: This sequence change affects an acceptor splice site in intron 3 of the CHEK2 gene. It is expected to disrupt RNA splicing. Variants that disrupt the donor or acceptor splice site typically lead to a loss of protein function (PMID: 16199547), and loss-of-function variants in CHEK2 are known to be pathogenic (PMID: 21876083, 24713400). This variant is not present in population databases (gnomAD no frequency). This variant has not been reported in the literature in individuals affected with CHEK2-related conditions. ClinVar contains an entry for this variant (Variation ID: 627954). Algorithms developed to predict the effect of sequence changes on RNA splicing suggest that this variant may disrupt the consensus splice site. In summary, the currently available evidence indicates that the variant is pathogenic, but additional data are needed to prove that conclusively. Therefore, this variant has been classified as Likely Pathogenic.

Myriad Genetics, Inc.
Classification: Likely pathogenic for Familial cancer of breast. Last evaluated: 2023-06-23. Review status: criteria provided, single submitter. Criteria: Myriad Autosomal Dominant, Autosomal Recessive and X-Linked Classification Criteria (2023). Collection method: clinical testing. Allele origin: unknown.
Comment: This variant is considered likely pathogenic. This variant occurs within a consensus splice junction and is predicted to result in abnormal mRNA splicing of either an out-of-frame exon or an in-frame exon necessary for protein stability and/or normal function.

Baylor Genetics
Classification: Likely pathogenic for Familial cancer of breast. Last evaluated: 2022-08-04. Review status: criteria provided, single submitter. Criteria: ACMG Guidelines, 2015. Collection method: clinical testing. Allele origin: unknown.

Color Diagnostics, LLC DBA Color Health
Classification: Likely pathogenic for Hereditary cancer-predisposing syndrome. Last evaluated: 2018-09-22. Review status: criteria provided, single submitter. Criteria: ACMG Guidelines, 2015. Collection method: clinical testing. Allele origin: germline.

Literature cited by the submitters: PubMed 16199547 (cited by Labcorp Genetics (formerly Invitae), Labcorp); PubMed 21876083 (cited by Labcorp Genetics (formerly Invitae), Labcorp); PubMed 24713400 (cited by Labcorp Genetics (formerly Invitae), Labcorp).